The following is an entry in ClinVar:

NM_014915.3(ANKRD26):c.3481G>A (p.Glu1161Lys)

Gene: ANKRD26 (ankyrin repeat domain 26; minus strand). Cytogenetic location: 10p12.1.
Variant type: single nucleotide variant.
Coding change: c.3481G>A on transcript NM_014915.3 (MANE Select); coding-DNA position 3481, G replaced by A.
Protein change: p.Glu1161Lys; replaces glutamic acid 1161 with lysine.
Molecular consequence: missense variant.
Genome position (GRCh38, 1-based): chr10:27,034,969, C>T on the plus strand (G>A on the coding strand, the complement: ANKRD26 is on the minus strand). VCF-style: chr10-27034969-C-T. GRCh37 (hg19) VCF-style: chr10-27323898-C-T.
Other names: c.3478G>A, p.Glu1160Lys (NM_001256053.2); short protein forms E1161K, E1160K.
Identifiers: ClinVar variation 2902234 (VCV002902234.4), dbSNP rs1223425535, ClinGen allele CA376362823.

ClinVar aggregate classification (germline): Uncertain significance. Review status: criteria provided, multiple submitters, no conflicts (2 of 4 stars). 2 submissions from 2 submitters: Uncertain significance (2). Last evaluated 2025-01-06.

Conditions:
Inborn genetic diseases. Identifiers: MedGen C0950123, MeSH D030342.

Allele frequency attached by ClinVar (database versions not stated): gnomAD exomes below 0.00001; TOPMed below 0.00001.
gnomAD v4.1: 1 of 1,614,080 alleles (0.000062%); highest among the groups gnomAD compares: Admixed American, 0.0017%; no homozygotes.

Submissions (2):

Labcorp Genetics (formerly Invitae), Labcorp
Classification: Uncertain significance. Last evaluated: 2025-01-06. Review status: criteria provided, single submitter. Criteria: Invitae Variant Classification Sherloc (09022015). Collection method: clinical testing. Allele origin: germline.
Comment: This sequence change replaces glutamic acid, which is acidic and polar, with lysine, which is basic and polar, at codon 1161 of the ANKRD26 protein (p.Glu1161Lys). This variant is present in population databases (no rsID available, gnomAD 0.003%). This variant has not been reported in the literature in individuals affected with ANKRD26-related conditions. ClinVar contains an entry for this variant (Variation ID: 2902234). An algorithm developed to predict the effect of missense changes on protein structure and function (PolyPhen-2) suggests that this variant is likely to be disruptive. In summary, the available evidence is currently insufficient to determine the role of this variant in disease. Therefore, it has been classified as a Variant of Uncertain Significance.

Ambry Genetics
Classification: Uncertain significance for Inborn genetic diseases. Last evaluated: 2024-11-26. Review status: criteria provided, single submitter. Criteria: Ambry Variant Classification Scheme 2023. Collection method: clinical testing. Allele origin: germline.
Comment: The p.E1161K variant (also known as c.3481G>A), located in coding exon 24 of the ANKRD26 gene, results from a G to A substitution at nucleotide position 3481. The glutamic acid at codon 1161 is replaced by lysine, an amino acid with similar properties. This amino acid position is conserved. In addition, this alteration is predicted to be tolerated by in silico analysis. Based on the available evidence, the clinical significance of this variant remains unclear.